The following is an entry in ClinVar:

NM_080552.3(SLC32A1):c.217G>T (p.Glu73Ter)

Gene: SLC32A1 (solute carrier family 32 member 1; plus strand). Cytogenetic location: 20q11.23.
Variant type: single nucleotide variant.
Coding change: c.217G>T on transcript NM_080552.3 (MANE Select); coding-DNA position 217, G replaced by T.
Protein change: p.Glu73Ter; replaces glutamic acid 73 with a stop codon.
Molecular consequence: nonsense.
Genome position (GRCh38, 1-based): chr20:38,724,941, G>T. VCF-style: chr20-38724941-G-T. GRCh37 (hg19) VCF-style: chr20-37353584-G-T.
Other names: short protein forms E73*.
Identifiers: ClinVar variation 5008974 (VCV005008974.1).

ClinVar aggregate classification (germline): Uncertain significance (1 of 4 stars; one submission).

Submission:

GeneDx
Classification: Uncertain significance. Last evaluated: 2026-03-11. Review status: criteria provided, single submitter. Criteria: GeneDx Variant Classification Process June 2021. Collection method: clinical testing. Allele origin: germline.
Comment: Not observed at significant frequency in large population cohorts (gnomAD); Has not been previously published as pathogenic or benign to our knowledge; Nonsense variant predicted to result in protein truncation or nonsense mediated decay in a gene or region of a gene for which loss of function is not an established mechanism of disease